The following is an entry in ClinVar:

ClinVar aggregate classification (germline): Uncertain significance (1 of 4 stars; one submission).

Submission:

Labcorp Genetics (formerly Invitae), Labcorp
Classification: Uncertain significance. Last evaluated: 2021-08-30. Review status: criteria provided, single submitter. Criteria: Invitae Variant Classification Sherloc (09022015). Collection method: clinical testing. Allele origin: germline.
Comment: This sequence change replaces glycine with aspartic acid at codon 1322 of the ERCC6 protein (p.Gly1322Asp). The glycine residue is highly conserved and there is a moderate physicochemical difference between glycine and aspartic acid. This variant is not present in population databases (ExAC no frequency). This variant has not been reported in the literature in individuals affected with ERCC6-related conditions. Algorithms developed to predict the effect of missense changes on protein structure and function (SIFT, PolyPhen-2, Align-GVGD) all suggest that this variant is likely to be disruptive. In summary, the available evidence is currently insufficient to determine the role of this variant in disease. Therefore, it has been classified as a Variant of Uncertain Significance.

NM_000124.4(ERCC6):c.3965G>A (p.Gly1322Asp)

Gene: ERCC6 (ERCC excision repair 6, chromatin remodeling factor; minus strand). Cytogenetic location: 10q11.23.
Variant type: single nucleotide variant.
Coding change: c.3965G>A on transcript NM_000124.4 (MANE Select); coding-DNA position 3965, G replaced by A.
Protein change: p.Gly1322Asp; replaces glycine 1322 with aspartic acid.
Molecular consequence: missense variant.
Genome position (GRCh38, 1-based): chr10:49,461,370, C>T on the plus strand (G>A on the coding strand, the complement: ERCC6 is on the minus strand). VCF-style: chr10-49461370-C-T. GRCh37 (hg19) VCF-style: chr10-50669416-C-T.
Other names: c.3965G>A, p.Gly1322Asp (NM_001346440.2); short protein forms G1322D.
Identifiers: ClinVar variation 1509397 (VCV001509397.6), dbSNP rs4253219, ClinGen allele CA376708232.